The following is an entry in ClinVar:

ClinVar aggregate classification (germline): Uncertain significance (1 of 4 stars; one submission).

Submission:

Labcorp Genetics (formerly Invitae), Labcorp
Classification: Uncertain significance. Last evaluated: 2021-07-28. Review status: criteria provided, single submitter. Criteria: Invitae Variant Classification Sherloc (09022015). Collection method: clinical testing. Allele origin: germline.
Comment: In summary, the available evidence is currently insufficient to determine the role of this variant in disease. Therefore, it has been classified as a Variant of Uncertain Significance. Experimental studies and prediction algorithms are not available or were not evaluated, and the effect of this variant on mRNA splicing is currently unknown. This variant has not been reported in the literature in individuals with CLCN7-related conditions. This sequence change falls in intron 1 of the CLCN7 gene. It does not directly change the encoded amino acid sequence of the CLCN7 protein.

NC_000016.9:g.(?_1515346)_(1521214_?)del

Gene: CLCN7 (chloride voltage-gated channel 7; minus strand). Cytogenetic location: 16p13.3.
Variant type: Deletion.
Identifiers: ClinVar variation 1410410 (VCV001410410.4).